The following is an entry in ClinVar:

NM_001365276.2(TNXB):c.1876C>A (p.His626Asn)

Gene: TNXB (tenascin XB; minus strand). Cytogenetic location: 6p21.33.
Variant type: single nucleotide variant.
Coding change: c.1876C>A on transcript NM_001365276.2 (MANE Select); coding-DNA position 1876, C replaced by A.
Protein change: p.His626Asn; replaces histidine 626 with asparagine.
Molecular consequence: missense variant.
Genome position (GRCh38, 1-based): chr6:32,095,977, G>T on the plus strand (C>A on the coding strand, the complement: TNXB is on the minus strand). VCF-style: chr6-32095977-G-T. GRCh37 (hg19) VCF-style: chr6-32063754-G-T.
Other names: c.1876C>A, p.His626Asn (NM_001428335.1, NM_019105.8); short protein forms H626N.
Identifiers: ClinVar variation 4188707 (VCV004188707.1).

ClinVar aggregate classification (germline): Uncertain significance (1 of 4 stars; one submission).

Conditions:
Cardiovascular phenotype. Identifiers: MedGen CN230736.

Submission:

Ambry Genetics
Classification: Uncertain significance for Cardiovascular phenotype. Last evaluated: 2025-07-30. Review status: criteria provided, single submitter. Criteria: Ambry Variant Classification Scheme 2023. Collection method: clinical testing. Allele origin: germline.
Comment: The p.H626N variant (also known as c.1876C>A), located in coding exon 2 of the TNXB gene, results from a C to A substitution at nucleotide position 1876. The histidine at codon 626 is replaced by asparagine, an amino acid with similar properties. This amino acid position is conserved. In addition, this alteration is predicted to be tolerated by in silico analysis. Based on the available evidence, the clinical significance of this variant remains unclear.